The following is an entry in ClinVar:

NM_001384125.1(BLTP1):c.4850C>A (p.Ala1617Asp)

Gene: BLTP1 (bridge-like lipid transfer protein family member 1; plus strand). Cytogenetic location: 4q27.
Variant type: single nucleotide variant.
Coding change: c.4850C>A on transcript NM_001384125.1 (MANE Select); coding-DNA position 4850, C replaced by A.
Protein change: p.Ala1617Asp; replaces alanine 1617 with aspartic acid.
Molecular consequence: missense variant.
Genome position (GRCh38, 1-based): chr4:122,243,961, C>A. VCF-style: chr4-122243961-C-A. GRCh37 (hg19) VCF-style: chr4-123165116-C-A.
Other names: c.4850C>A, p.Ala1617Asp (NM_015312.4); short protein forms A1617D.
Identifiers: ClinVar variation 4077320 (VCV004077320.1).

ClinVar aggregate classification (germline): Uncertain significance (1 of 4 stars; one submission).

gnomAD v4.1: 2 of 1,611,382 alleles (0.00012%); highest among the groups gnomAD compares: Non-Finnish European, 0.00017%; no homozygotes.

Submission:

GeneDx
Classification: Uncertain significance. Last evaluated: 2025-03-01. Review status: criteria provided, single submitter. Criteria: GeneDx Variant Classification Process June 2021. Collection method: clinical testing. Allele origin: germline. Affected: yes.
Comment: Not observed at significant frequency in large population cohorts (gnomAD); In silico analysis supports that this missense variant has a deleterious effect on protein structure/function; Has not been previously published as pathogenic or benign to our knowledge